The following is an entry in ClinVar:

ClinVar aggregate classification (germline): Conflicting classifications of pathogenicity. Review status: criteria provided, conflicting classifications (1 of 4 stars). 3 submissions from 3 submitters: Uncertain significance (1); Likely benign (2). Last evaluated 2026-04-07.

Conditions:
CNGB1-related disorder. Also called: CNGB1-related condition.

Allele frequency attached by ClinVar (database versions not stated): TOPMed 0.00029; ESP Exome Variant Server 0.00032.
gnomAD v4.1: 54 of 1,614,062 alleles (0.0033%); highest among the groups gnomAD compares: African/African-American, 0.069%; no homozygotes.

Submissions (3):

PreventionGenetics, part of Exact Sciences
Classification: Likely benign for CNGB1-related condition. Last evaluated: 2026-04-07. Review status: criteria provided, single submitter. Criteria: ACMG Guidelines, 2015. Collection method: clinical testing. Allele origin: germline.
Comment: This variant is classified as likely benign based on ACMG/AMP sequence variant interpretation guidelines (Richards et al. 2015 PMID: 25741868, with internal and published modifications).

Labcorp Genetics (formerly Invitae), Labcorp
Classification: Likely benign. Last evaluated: 2026-01-24. Review status: criteria provided, single submitter. Criteria: Invitae Variant Classification Sherloc (09022015). Collection method: clinical testing. Allele origin: germline.

Blueprint Genetics
Classification: Uncertain significance. Last evaluated: 2023-06-16. Review status: criteria provided, single submitter. Criteria: ACMG Guidelines, 2015. Collection method: clinical testing. Allele origin: germline.

NM_001297.5(CNGB1):c.2893-8C>G

Gene: CNGB1 (cyclic nucleotide gated channel subunit beta 1; minus strand). Cytogenetic location: 16q21.
Variant type: single nucleotide variant.
Coding change: c.2893-8C>G on transcript NM_001297.5 (MANE Select); 8 bases into the intron before coding-DNA position 2893, C replaced by G.
Molecular consequence: intron variant.
Genome position (GRCh38, 1-based): chr16:57,901,443, G>C on the plus strand (C>G on the coding strand, the complement: CNGB1 is on the minus strand). VCF-style: chr16-57901443-G-C. GRCh37 (hg19) VCF-style: chr16-57935347-G-C.
Other names: c.2875-8C>G (NM_001286130.2).
Identifiers: ClinVar variation 935188 (VCV000935188.11), dbSNP rs377216982, ClinGen allele CA8082769.
Genomic context (GRCh38, chr16:57,901,443, plus strand): 5'-ACAACAGAGCGAAGCCTCTTCAGCATGTCAAAGATCATCTGCCGGTCACAGCCCTGTCCC[G>C]GTGAGGAAGGGAAAGGAACTTTTTAGAGAAGATTGGGCTTGGAGCCTCCCACAGCCCTGA-3'